The following is an entry in ClinVar:

NM_001367624.2(ZNF469):c.7523C>T (p.Ala2508Val)

Gene: ZNF469 (zinc finger protein 469; plus strand). Cytogenetic location: 16q24.2.
Variant type: single nucleotide variant.
Coding change: c.7523C>T on transcript NM_001367624.2 (MANE Select); coding-DNA position 7523, C replaced by T.
Protein change: p.Ala2508Val; replaces alanine 2508 with valine.
Molecular consequence: missense variant.
Genome position (GRCh38, 1-based): chr16:88,434,993, C>T. VCF-style: chr16-88434993-C-T. GRCh37 (hg19) VCF-style: chr16-88501401-C-T.
Other names: NM_001127464.1:c.7439C>T; short protein forms A2508V.
Identifiers: ClinVar variation 423514 (VCV000423514.8), dbSNP rs570690992, ClinGen allele CA8225258.
Genomic context (GRCh38, chr16:88,434,993, plus strand): 5'-GCCGGCACAAGGCCAGGAAGCACCGGCCACACCCGGGAGCCCCCGCGGAGCCGAGCCCAG[C>T]GGCCTTGCCTGCTCAGCAGCCTCTAGAGCCCCTAGCCCAAAAGTGCCAGCCGCCCAGGAA-3'
Protein context (NP_001354553.1, residues 2498-2518): HPGAPAEPSP[Ala2508Val]ALPAQQPLEP

ClinVar aggregate classification (germline): Uncertain significance. Review status: criteria provided, multiple submitters, no conflicts (2 of 4 stars). 3 submissions from 3 submitters: Uncertain significance (3). Last evaluated 2024-01-02.

Conditions:
Cardiovascular phenotype. Identifiers: MedGen CN230736.

Allele frequency attached by ClinVar (database versions not stated): gnomAD exomes 0.00007 and 0.00025; ExAC 0.00013; TOPMed 0.00015; 1000 Genomes Project 30x 0.00016; gnomAD 0.00018; 1000 Genomes Project 0.00020.
gnomAD v4.1: 364 of 1,550,206 alleles (0.023%); highest among the groups gnomAD compares: African/African-American, 0.051%; 2 homozygotes.

Submissions (3):

Ambry Genetics
Classification: Uncertain significance for Cardiovascular phenotype. Last evaluated: 2024-01-02. Review status: criteria provided, single submitter. Criteria: Ambry Variant Classification Scheme 2023. Collection method: clinical testing. Allele origin: germline.

Labcorp Genetics (formerly Invitae), Labcorp
Classification: Uncertain significance. Last evaluated: 2022-08-31. Review status: criteria provided, single submitter. Criteria: Invitae Variant Classification Sherloc (09022015). Collection method: clinical testing. Allele origin: germline.
Comment: This sequence change replaces alanine, which is neutral and non-polar, with valine, which is neutral and non-polar, at codon 2480 of the ZNF469 protein (p.Ala2480Val). This variant is present in population databases (rs570690992, gnomAD 0.06%). This variant has not been reported in the literature in individuals affected with ZNF469-related conditions. ClinVar contains an entry for this variant (Variation ID: 423514). Algorithms developed to predict the effect of missense changes on protein structure and function output the following: SIFT: "Tolerated"; PolyPhen-2: "Benign"; Align-GVGD: "Class C0". The valine amino acid residue is found in multiple mammalian species, which suggests that this missense change does not adversely affect protein function. In summary, the available evidence is currently insufficient to determine the role of this variant in disease. Therefore, it has been classified as a Variant of Uncertain Significance.

GeneDx
Classification: Uncertain significance. Last evaluated: 2017-02-09. Review status: criteria provided, single submitter. Criteria: GeneDx Variant Classification (06012015). Collection method: clinical testing. Allele origin: germline. Affected: yes.
Comment: A variant of uncertain significance has been identified in the ZNF469 gene. The A2480V variant has not been published as pathogenic or been reported as benign to our knowledge. This variant is not observed at a significant frequency in large population cohorts (Lek et al., 2016; 1000 Genomes Consortium et al., 2015; Exome Variant Server). However, the A2480V variant is a conservative amino acid substitution, which is not likely to impact secondary protein structure as these residues share similar properties. This substitution occurs at a position that is not conserved across species and where valine is present as the wild type in several species. Finally, in silico analysis predicts this variant likely does not alter the protein structure/function.